The following is an entry in ClinVar:

NM_004525.3(LRP2):c.10571A>G (p.Lys3524Arg)

Gene: LRP2 (LDL receptor related protein 2; minus strand). Cytogenetic location: 2q31.1.
Variant type: single nucleotide variant.
Coding change: c.10571A>G on transcript NM_004525.3 (MANE Select); coding-DNA position 10571, A replaced by G.
Protein change: p.Lys3524Arg; replaces lysine 3524 with arginine.
Molecular consequence: missense variant.
Genome position (GRCh38, 1-based): chr2:169,176,411, T>C on the plus strand (A>G on the coding strand, the complement: LRP2 is on the minus strand). VCF-style: chr2-169176411-T-C. GRCh37 (hg19) VCF-style: chr2-170032921-T-C.
Other names: short protein forms K3524R.
Identifiers: ClinVar variation 1508435 (VCV001508435.8), dbSNP rs746034315, ClinGen allele CA1953323.

ClinVar aggregate classification (germline): Uncertain significance (1 of 4 stars; one submission).

Allele frequency attached by ClinVar (database versions not stated): gnomAD exomes below 0.00001 and 0.00001; ExAC 0.00001.
gnomAD v4.1: 3 of 1,614,136 alleles (0.00019%); highest among the groups gnomAD compares: South Asian, 0.0022%; no homozygotes.

Submission:

Labcorp Genetics (formerly Invitae), Labcorp
Classification: Uncertain significance. Last evaluated: 2022-05-29. Review status: criteria provided, single submitter. Criteria: Invitae Variant Classification Sherloc (09022015). Collection method: clinical testing. Allele origin: germline.
Comment: This variant has not been reported in the literature in individuals affected with LRP2-related conditions. In summary, the available evidence is currently insufficient to determine the role of this variant in disease. Therefore, it has been classified as a Variant of Uncertain Significance. Algorithms developed to predict the effect of sequence changes on RNA splicing suggest that this variant may create or strengthen a splice site. Algorithms developed to predict the effect of missense changes on protein structure and function output the following: SIFT: "Tolerated"; PolyPhen-2: "Benign"; Align-GVGD: "Class C0". The arginine amino acid residue is found in multiple mammalian species, which suggests that this missense change does not adversely affect protein function. ClinVar contains an entry for this variant (Variation ID: 1508435). This variant is present in population databases (rs746034315, gnomAD 0.006%). This sequence change replaces lysine, which is basic and polar, with arginine, which is basic and polar, at codon 3524 of the LRP2 protein (p.Lys3524Arg).